The following is an entry in ClinVar:

NM_006415.4(SPTLC1):c.1082-2A>G

Gene: SPTLC1 (serine palmitoyltransferase long chain base subunit 1; minus strand). Cytogenetic location: 9q22.31.
Variant type: single nucleotide variant.
Coding change: c.1082-2A>G on transcript NM_006415.4 (MANE Select); the canonical splice acceptor site of the intron before coding-DNA position 1082, A replaced by G.
Molecular consequence: splice acceptor variant.
Genome position (GRCh38, 1-based): chr9:92,046,055, T>C on the plus strand (A>G on the coding strand, the complement: SPTLC1 is on the minus strand). VCF-style: chr9-92046055-T-C. GRCh37 (hg19) VCF-style: chr9-94808337-T-C.
Other names: c.1082-2A>G (NM_001281303.2); c.716-2A>G (NM_001368272.1); c.617-2A>G (NM_001368273.1).
Identifiers: ClinVar variation 3897552 (VCV003897552.1).

ClinVar aggregate classification (germline): Uncertain significance (1 of 4 stars; one submission).

Conditions:
Neuropathy, hereditary sensory and autonomic, type 1A (HSAN1A). Also called: NEUROPATHY, HEREDITARY SENSORY AND AUTONOMIC, TYPE IA; SPTLC1-Related Hereditary Sensory Neuropathy; HSAN IA; HSN IA; NEUROPATHY, HEREDITARY SENSORY RADICULAR, AUTOSOMAL DOMINANT, TYPE 1A. Identifiers: MedGen C5235211, MONDO:0008086, OMIM 162400.
Amyotrophic lateral sclerosis 27, juvenile (ALS27). Identifiers: MedGen C5830359, MONDO:0859529, OMIM 620285.

gnomAD v4.1: 3 of 1,612,328 alleles (0.00019%); highest among the groups gnomAD compares: Non-Finnish European, 0.00025%; no homozygotes.

Submission:

Institute of Immunology and Genetics Kaiserslautern
Classification: Uncertain significance for Neuropathy, hereditary sensory and autonomic, type 1A; Amyotrophic lateral sclerosis 27, juvenile. Last evaluated: 2025-02-03. Review status: criteria provided, single submitter. Criteria: ACMG Guidelines, 2015. Collection method: clinical testing. Allele origin: germline. Affected: yes.
Comment: ACMG Criteria: PVS1_M, PM2_P, PM1; Variant was found in heterozygous state